The following is an entry in ClinVar:

NM_000185.4(SERPIND1):c.118C>T (p.Pro40Ser)

Genes: PI4KA (phosphatidylinositol 4-kinase alpha; minus strand), SERPIND1 (serpin family D member 1; plus strand). Cytogenetic location: 22q11.21.
Variant type: single nucleotide variant.
Coding change: c.118C>T on transcript NM_000185.4 (MANE Select); coding-DNA position 118, C replaced by T.
Protein change: p.Pro40Ser; replaces proline 40 with serine.
Molecular consequence: missense variant. On other transcripts: intron variant (3).
Genome position (GRCh38, 1-based): chr22:20,779,430, C>T. VCF-style: chr22-20779430-C-T. GRCh37 (hg19) VCF-style: chr22-21133718-C-T.
Other names: c.2263-13737G>A (NM_001362863.2); c.2329-13737G>A (NM_001362862.2, NM_058004.4); short protein forms P40S.
Identifiers: ClinVar variation 3041598 (VCV003041598.6), dbSNP rs370327089, ClinGen allele CA10115804.
Genomic context (GRCh38, chr22:20,779,430, plus strand): 5'-GGGAGCAAAGGCCCGCTGGATCAGCTAGAGAAAGGAGGGGAAACTGCTCAGTCTGCAGAT[C>T]CCCAGTGGGAGCAGTTAAATAACAAAAACCTGAGCATGCCTCTTCTCCCTGCCGACTTCC-3'
Protein context (NP_000176.2, residues 30-50): KGGETAQSAD[Pro40Ser]QWEQLNNKNL

ClinVar aggregate classification (germline): Likely benign. Review status: criteria provided, single submitter (1 of 4 stars). 2 submissions from 2 submitters: Likely benign (1). 1 of the submissions does not count toward it. Last evaluated 2026-02-01.

Conditions:
SERPIND1-related disorder. Also called: SERPIND1-related condition.

Allele frequency attached by ClinVar (database versions not stated): TOPMed 0.00003; gnomAD 0.00027; gnomAD exomes 0.00048; ExAC 0.00119; 1000 Genomes Project 30x 0.00203; 1000 Genomes Project 0.00220.
gnomAD v4.1: 729 of 1,614,202 alleles (0.045%); highest among the groups gnomAD compares: South Asian, 0.76%; 7 homozygotes.

Submissions (2):

CeGaT Center for Human Genetics Tuebingen
Classification: Likely benign. Last evaluated: 2026-02-01. Review status: criteria provided, single submitter. Criteria: CeGaT Center For Human Genetics Tuebingen Variant Classification Criteria Version 2. Collection method: clinical testing. Allele origin: germline. Affected: yes. Observed: 1 variant allele.
Comment: SERPIND1: BP4, BS1

PreventionGenetics, part of Exact Sciences
Classification: Likely benign for SERPIND1-related condition. Last evaluated: 2019-05-10. Review status: no assertion criteria provided. Collection method: clinical testing. Allele origin: germline. Not counted in ClinVar's aggregate classification.
Comment: This variant is classified as likely benign based on ACMG/AMP sequence variant interpretation guidelines (Richards et al. 2015 PMID: 25741868, with internal and published modifications).